The following is an entry in ClinVar:

NM_004035.7(ACOX1):c.193del (p.Arg65fs)

Gene: ACOX1 (acyl-CoA oxidase 1; minus strand). Cytogenetic location: 17q25.1.
Variant type: Deletion.
Coding change: c.193del on transcript NM_004035.7 (MANE Select); coding-DNA position 193, one base deleted (A; older notation c.193delA).
Protein change: p.Arg65fs; shifts the reading frame from arginine 65.
Molecular consequence: frameshift variant.
Genome position (GRCh38, 1-based): chr17:75,978,610, T deleted on the plus strand (A on the coding strand, the reverse complement: ACOX1 is on the minus strand). VCF-style (leftmost placement, unchanged base first): chr17-75978609-CT-C. GRCh37 (hg19) VCF-style: chr17-73974690-CT-C.
Other names: c.79del, p.Arg27fs (NM_001185039.2); c.193del, p.Arg65fs (NM_007292.6); short protein forms R27fs, R65fs.
Identifiers: ClinVar variation 2040363 (VCV002040363.4), dbSNP rs2546097956, ClinGen allele CA2580095195.
Genomic context (GRCh38, chr17:75,978,609, plus strand): 5'-ATTTCATCAGGGTCAGCGATGCCAAACTCCCTCATCTTCTTCACCATGATGGCACTTTTC[CT>C]GACAGCCACCTCATAACGCTGGCTGCGAGTGAGGAAGTTCAAGTCCTCATGCTGGAAGTC-3'

ClinVar aggregate classification (germline): Pathogenic (1 of 4 stars; one submission).

Conditions:
Acyl-CoA oxidase deficiency. Also called: Peroxisomal acyl-CoA oxidase deficiency; Pseudoneonatal adrenoleukodystrophy; STRAIGHT-CHAIN ACYL-CoA OXIDASE DEFICIENCY. Identifiers: Orphanet 2971, MedGen C1849678, MONDO:0009919, OMIM 264470. Disease mechanism: loss of function.

Submission:

Labcorp Genetics (formerly Invitae), Labcorp
Classification: Pathogenic for Acyl-CoA oxidase deficiency. Last evaluated: 2025-05-05. Review status: criteria provided, single submitter. Criteria: Invitae Variant Classification Sherloc (09022015). Collection method: clinical testing. Allele origin: germline.
Comment: This sequence change creates a premature translational stop signal (p.Arg65Glyfs*7) in the ACOX1 gene. It is expected to result in an absent or disrupted protein product. Loss-of-function variants in ACOX1 are known to be pathogenic (PMID: 8040306, 17458872). This variant is not present in population databases (gnomAD no frequency). This variant has not been reported in the literature in individuals affected with ACOX1-related conditions. ClinVar contains an entry for this variant (Variation ID: 2040363). For these reasons, this variant has been classified as Pathogenic.

Literature cited by the submitters: PubMed 8040306; PubMed 17458872.